The following is an entry in ClinVar:

ClinVar aggregate classification (germline): Uncertain significance (1 of 4 stars; one submission).

Conditions:
Autosomal dominant nonsyndromic hearing loss 1. Also called: KONIGSMARK SYNDROME; DEAFNESS, AUTOSOMAL DOMINANT 1, WITH OR WITHOUT THROMBOCYTOPENIA. Identifiers: Orphanet 90635, MedGen C1852282, MONDO:0007424, OMIM 124900.
Progressive microcephaly-seizures-cortical blindness-developmental delay syndrome. Also called: Seizures, cortical blindness, and microcephaly syndrome. Identifiers: Orphanet 477814, MedGen C5567650, MONDO:0014714, OMIM 616632.

Allele frequency attached by ClinVar (database versions not stated): gnomAD exomes 0.00001.
gnomAD v4.1: 7 of 1,609,100 alleles (0.00044%); highest among the groups gnomAD compares: African/African-American, 0.0013%; no homozygotes.

Submission:

Labcorp Genetics (formerly Invitae), Labcorp
Classification: Uncertain significance for Progressive microcephaly-seizures-cortical blindness-developmental delay syndrome; Autosomal dominant nonsyndromic hearing loss 1. Last evaluated: 2023-11-09. Review status: criteria provided, single submitter. Criteria: Invitae Variant Classification Sherloc (09022015). Collection method: clinical testing. Allele origin: germline.
Comment: This sequence change falls in intron 9 of the DIAPH1 gene. It does not directly change the encoded amino acid sequence of the DIAPH1 protein. It affects a nucleotide within the consensus splice site. This variant is present in population databases (no rsID available, gnomAD 0.007%). This variant has not been reported in the literature in individuals affected with DIAPH1-related conditions. ClinVar contains an entry for this variant (Variation ID: 2116975). Variants that disrupt the consensus splice site are a relatively common cause of aberrant splicing (PMID: 17576681, 9536098). Algorithms developed to predict the effect of sequence changes on RNA splicing suggest that this variant may disrupt the consensus splice site. In summary, the available evidence is currently insufficient to determine the role of this variant in disease. Therefore, it has been classified as a Variant of Uncertain Significance.

Literature cited by the submitters: PubMed 17576681; PubMed 9536098.

NM_005219.5(DIAPH1):c.933+3A>G

Gene: DIAPH1 (diaphanous related formin 1; minus strand). Cytogenetic location: 5q31.3.
Variant type: single nucleotide variant.
Coding change: c.933+3A>G on transcript NM_005219.5 (MANE Select); 3 bases into the intron after coding-DNA position 933, A replaced by G.
Molecular consequence: intron variant.
Genome position (GRCh38, 1-based): chr5:141,579,085, T>C on the plus strand (A>G on the coding strand, the complement: DIAPH1 is on the minus strand). VCF-style: chr5-141579085-T-C. GRCh37 (hg19) VCF-style: chr5-140958652-T-C.
Other names: c.906+3A>G (NM_001079812.3); c.933+3A>G (NM_001314007.2).
Identifiers: ClinVar variation 2116975 (VCV002116975.4), dbSNP rs1308537661, ClinGen allele CA563369767.